The following is an entry in ClinVar:

ClinVar aggregate classification (germline): Likely benign. Review status: criteria provided, multiple submitters, no conflicts (2 of 4 stars). 2 submissions from 2 submitters: Likely benign (2). Last evaluated 2024-03-01.

Allele frequency attached by ClinVar (database versions not stated): gnomAD exomes below 0.00001; ExAC 0.00001; gnomAD 0.00002.
gnomAD v4.1: 9 of 1,612,904 alleles (0.00056%); highest among the groups gnomAD compares: African/African-American, 0.0027%; no homozygotes.

Submissions (2):

CeGaT Center for Human Genetics Tuebingen
Classification: Likely benign. Last evaluated: 2024-03-01. Review status: criteria provided, single submitter. Criteria: CeGaT Center For Human Genetics Tuebingen Variant Classification Criteria Version 2. Collection method: clinical testing. Allele origin: germline. Affected: yes. Observed: 1 variant allele.
Comment: MYH14: BP4, BP7

GeneDx
Classification: Likely benign. Last evaluated: 2019-06-12. Review status: criteria provided, single submitter. Criteria: GeneDx Variant Classification Process June 2021. Collection method: clinical testing. Allele origin: germline. Affected: yes.

NM_001145809.2(MYH14):c.3750G>A (p.Ala1250=)

Gene: MYH14 (myosin heavy chain 14; plus strand). Cytogenetic location: 19q13.33.
Variant type: single nucleotide variant.
Coding change: c.3750G>A on transcript NM_001145809.2 (MANE Select); coding-DNA position 3750, G replaced by A.
Protein change: p.Ala1250=; no amino-acid change (alanine 1250 retained).
Molecular consequence: synonymous variant.
Genome position (GRCh38, 1-based): chr19:50,276,826, G>A. VCF-style: chr19-50276826-G-A. GRCh37 (hg19) VCF-style: chr19-50780083-G-A.
Other names: c.3651G>A, p.Ala1217= (NM_001077186.2); c.3627G>A, p.Ala1209= (NM_024729.4).
Identifiers: ClinVar variation 1201938 (VCV001201938.24), dbSNP rs777587978, ClinGen allele CA9593307.